The following is an entry in ClinVar:

ClinVar aggregate classification (germline): Uncertain significance. Review status: criteria provided, multiple submitters, no conflicts (2 of 4 stars). 4 submissions from 4 submitters: Uncertain significance (4). Last evaluated 2025-12-15.

Conditions:
Inborn genetic diseases. Identifiers: MedGen C0950123, MeSH D030342.
Donnai-Barrow syndrome. Also called: DBS/FOAR SYNDROME; FACIOOCULOACOUSTICORENAL SYNDROME. Identifiers: Orphanet 2143, MedGen C1857277, MONDO:0009104, OMIM 222448.

Allele frequency attached by ClinVar (database versions not stated): gnomAD exomes below 0.00001; gnomAD 0.00002.
gnomAD v4.1: 5 of 1,614,034 alleles (0.00031%); highest among the groups gnomAD compares: African/African-American, 0.0067%; no homozygotes.

Submissions (4):

Ambry Genetics
Classification: Uncertain significance for Inborn genetic diseases. Last evaluated: 2025-12-15. Review status: criteria provided, single submitter. Criteria: Ambry Variant Classification Scheme 2023. Collection method: clinical testing. Allele origin: germline.

Labcorp Genetics (formerly Invitae), Labcorp
Classification: Uncertain significance. Last evaluated: 2025-06-12. Review status: criteria provided, single submitter. Criteria: Invitae Variant Classification Sherloc (09022015). Collection method: clinical testing. Allele origin: germline.
Comment: This sequence change replaces threonine, which is neutral and polar, with isoleucine, which is neutral and non-polar, at codon 4422 of the LRP2 protein (p.Thr4422Ile). This variant is present in population databases (no rsID available, gnomAD 0.01%). This variant has not been reported in the literature in individuals affected with LRP2-related conditions. ClinVar contains an entry for this variant (Variation ID: 1946912). Invitae Evidence Modeling of protein sequence and biophysical properties (such as structural, functional, and spatial information, amino acid conservation, physicochemical variation, residue mobility, and thermodynamic stability) indicates that this missense variant is not expected to disrupt LRP2 protein function with a negative predictive value of 95%. In summary, the available evidence is currently insufficient to determine the role of this variant in disease. Therefore, it has been classified as a Variant of Uncertain Significance.

Fulgent Genetics
Classification: Uncertain significance for Donnai-Barrow syndrome. Last evaluated: 2024-02-06. Review status: criteria provided, single submitter. Criteria: ACMG Guidelines, 2015. Collection method: clinical testing. Allele origin: germline.

GeneDx
Classification: Uncertain significance. Last evaluated: 2022-11-27. Review status: criteria provided, single submitter. Criteria: GeneDx Variant Classification Process June 2021. Collection method: clinical testing. Allele origin: germline. Affected: yes.
Comment: In silico analysis supports that this missense variant has a deleterious effect on protein structure/function; Has not been previously published as pathogenic or benign to our knowledge

NM_004525.3(LRP2):c.13265C>T (p.Thr4422Ile)

Gene: LRP2 (LDL receptor related protein 2; minus strand). Cytogenetic location: 2q31.1.
Variant type: single nucleotide variant.
Coding change: c.13265C>T on transcript NM_004525.3 (MANE Select); coding-DNA position 13265, C replaced by T.
Protein change: p.Thr4422Ile; replaces threonine 4422 with isoleucine.
Molecular consequence: missense variant.
Genome position (GRCh38, 1-based): chr2:169,139,545, G>A on the plus strand (C>T on the coding strand, the complement: LRP2 is on the minus strand). VCF-style: chr2-169139545-G-A. GRCh37 (hg19) VCF-style: chr2-169996055-G-A.
Other names: c.13265C>T (NM_004525.2); short protein forms T4422I.
Identifiers: ClinVar variation 1946912 (VCV001946912.8), dbSNP rs1003919258, ClinGen allele CA59913759.
Genomic context (GRCh38, chr2:169,139,545, plus strand): 5'-AGCATTCAATGTAGGGGCCATGAGTAATTTCCAAGTTGCTCACATTCTTAAAACTTACTT[G>A]TTCCTGGAGAGATGCCTTTTGAAAACGCCATTTCACAATATTTTCCGGTGTAGCCGCTAG-3'
Protein context (NP_004516.2, residues 4412-4432): MAFSKGISPG[Thr4422Ile]TAVAVLLTIL